The following is an entry in ClinVar:

NM_133379.5(TTN):c.15002A>T (p.Lys5001Met)

Genes: TTN (titin; minus strand), LOC126806432 (CDK7 strongly-dependent group 2 enhancer GRCh37_chr2:179611985-179613184; plus strand). Cytogenetic location: 2q31.2.
Variant type: single nucleotide variant.
Coding change: c.15002A>T on transcript NM_133379.5 (MANE Plus Clinical); coding-DNA position 15002, A replaced by T.
Protein change: p.Lys5001Met; replaces lysine 5001 with methionine.
Molecular consequence: missense variant. On other transcripts: intron variant (6).
Genome position (GRCh38, 1-based): chr2:178,747,398, T>A on the plus strand (A>T on the coding strand, the complement: TTN is on the minus strand). VCF-style: chr2-178747398-T-A. GRCh37 (hg19) VCF-style: chr2-179612125-T-A.
Other names: c.10223-5477A>T (NM_003319.4); c.10799-5477A>T (NM_133437.4); c.10598-5477A>T (NM_133432.3); c.10360+5726A>T (NM_133378.4); c.10361-5477A>T (NM_001256850.1); c.11312-5477A>T (NM_001267550.2); short protein forms K5001M.
Identifiers: ClinVar variation 178894 (VCV000178894.5), dbSNP rs727504519, ClinGen allele CA183244.

ClinVar aggregate classification (germline): Uncertain significance (1 of 4 stars; one submission).

Allele frequency attached by ClinVar (database versions not stated): gnomAD exomes below 0.00001.
gnomAD v4.1: 4 of 1,613,394 alleles (0.00025%); highest among the groups gnomAD compares: Non-Finnish European, 0.00034%; no homozygotes.

Submission:

Laboratory for Molecular Medicine, Mass General Brigham Personalized Medicine
Classification: Uncertain significance. Last evaluated: 2013-04-17. Review status: criteria provided, single submitter. Criteria: LMM Criteria. Collection method: clinical testing. Allele origin: germline. Observed: 1 variant allele.
Comment: The Lys5001Met variant in TTN has not been reported in individuals with cardiomy opathy or in large population studies. Computational analyses are limited or una vailable for this variant. Additional information is needed to fully assess the clinical significance of this variant.